The following is an entry in ClinVar:

NM_153026.3(PRICKLE1):c.1438C>G (p.Leu480Val)

Gene: PRICKLE1 (prickle planar cell polarity protein 1; minus strand). Cytogenetic location: 12q12.
Variant type: single nucleotide variant.
Coding change: c.1438C>G on transcript NM_153026.3 (MANE Select); coding-DNA position 1438, C replaced by G.
Protein change: p.Leu480Val; replaces leucine 480 with valine.
Molecular consequence: missense variant.
Genome position (GRCh38, 1-based): chr12:42,464,596, G>C on the plus strand (C>G on the coding strand, the complement: PRICKLE1 is on the minus strand). VCF-style: chr12-42464596-G-C. GRCh37 (hg19) VCF-style: chr12-42858398-G-C.
Other names: c.1438C>G, p.Leu480Val (NM_001144881.2, NM_001144882.2, NM_001144883.2); short protein forms L480V.
Identifiers: ClinVar variation 589919 (VCV000589919.13), dbSNP rs552840971, ClinGen allele CA6519751.

ClinVar aggregate classification (germline): Uncertain significance. Review status: criteria provided, multiple submitters, no conflicts (2 of 4 stars). 2 submissions from 2 submitters: Uncertain significance (2). Last evaluated 2024-10-15.

Conditions:
Epilepsy, progressive myoclonic, 1B. Also called: PME. Identifiers: Orphanet 308, MedGen C2676254, MONDO:0012904, OMIM 612437.
Inborn genetic diseases. Identifiers: MedGen C0950123, MeSH D030342.

Allele frequency attached by ClinVar (database versions not stated): gnomAD exomes 0.00001; TOPMed 0.00001; ExAC 0.00002; gnomAD 0.00002; 1000 Genomes Project 30x 0.00047; 1000 Genomes Project 0.00060.
gnomAD v4.1: 18 of 1,613,904 alleles (0.0011%); highest among the groups gnomAD compares: South Asian, 0.018%; no homozygotes.

Submissions (2):

Labcorp Genetics (formerly Invitae), Labcorp
Classification: Uncertain significance for Epilepsy, progressive myoclonic, 1B. Last evaluated: 2024-10-15. Review status: criteria provided, single submitter. Criteria: Invitae Variant Classification Sherloc (09022015). Collection method: clinical testing. Allele origin: germline.
Comment: This sequence change replaces leucine, which is neutral and non-polar, with valine, which is neutral and non-polar, at codon 480 of the PRICKLE1 protein (p.Leu480Val). This variant is present in population databases (rs552840971, gnomAD 0.01%). This variant has not been reported in the literature in individuals affected with PRICKLE1-related conditions. ClinVar contains an entry for this variant (Variation ID: 589919). Invitae Evidence Modeling of protein sequence and biophysical properties (such as structural, functional, and spatial information, amino acid conservation, physicochemical variation, residue mobility, and thermodynamic stability) indicates that this missense variant is not expected to disrupt PRICKLE1 protein function with a negative predictive value of 80%. In summary, the available evidence is currently insufficient to determine the role of this variant in disease. Therefore, it has been classified as a Variant of Uncertain Significance.

Ambry Genetics
Classification: Uncertain significance for Inborn genetic diseases. Last evaluated: 2016-09-22. Review status: criteria provided, single submitter. Criteria: Ambry General Variant Classification Scheme_2022. Collection method: clinical testing. Allele origin: germline. Observed: 1 variant allele.
Comment: The p.L480V variant (also known as c.1438C>G), located in coding exon 6 of the PRICKLE1 gene, results from a C to G substitution at nucleotide position 1438. The leucine at codon 480 is replaced by valine, an amino acid with highly similar properties. This amino acid position is highly conserved in available vertebrate species. In addition, this alteration is predicted to be tolerated by in silico analysis. Since supporting evidence is limited at this time, the clinical significance of this alteration remains unclear.